The following is an entry in ClinVar:

NM_001134407.3(GRIN2A):c.-5delinsGCA

Gene: GRIN2A (glutamate ionotropic receptor NMDA type subunit 2A; minus strand). Cytogenetic location: 16p13.2.
Variant type: Indel.
Coding change: c.-5delinsGCA on transcript NM_001134407.3 (MANE Select); 5 bases upstream of the start codon, C replaced by GCA.
Molecular consequence: 5 prime UTR variant.
Genome position (GRCh38, 1-based): chr16:10,180,416, G replaced by TGC on the plus strand (C replaced by GCA on the coding strand, the reverse complement: GRIN2A is on the minus strand). VCF-style: chr16-10180416-G-TGC. GRCh37 (hg19) VCF-style: chr16-10274273-G-TGC.
Other names: c.-5delinsGCA (NM_000833.5, NM_001134408.2).
Identifiers: ClinVar variation 3371209 (VCV003371209.1).

ClinVar aggregate classification (germline): Uncertain significance (1 of 4 stars; one submission).

Submission:

GeneDx
Classification: Uncertain significance. Last evaluated: 2024-03-20. Review status: criteria provided, single submitter. Criteria: GeneDx Variant Classification Process June 2021. Collection method: clinical testing. Allele origin: germline. Affected: yes.
Comment: Not observed at significant frequency in large population cohorts (gnomAD); Alters the Kozak sequence, which plays a major role in the initiation of translation; Has not been previously published as pathogenic or benign to our knowledge